The following is an entry in ClinVar:

ClinVar aggregate classification (germline): Likely benign. Review status: criteria provided, multiple submitters, no conflicts (2 of 4 stars). 4 submissions from 4 submitters: Likely benign (3). 1 of the submissions does not count toward it. Last evaluated 2026-01-13.

Conditions:
ARID1B-Related Disorder. Identifiers: MedGen CN381337.
Inborn genetic diseases. Identifiers: MedGen C0950123, MeSH D030342.

Submissions (4):

Labcorp Genetics (formerly Invitae), Labcorp
Classification: Likely benign. Last evaluated: 2026-01-13. Review status: criteria provided, single submitter. Criteria: Invitae Variant Classification Sherloc (09022015). Collection method: clinical testing. Allele origin: germline.

Blueprint Genetics
Classification: Likely benign. Last evaluated: 2024-11-21. Review status: criteria provided, single submitter. Criteria: ACMG Guidelines, 2015. Collection method: clinical testing. Allele origin: germline.

Ambry Genetics
Classification: Likely benign for Inborn genetic diseases. Last evaluated: 2017-08-08. Review status: criteria provided, single submitter. Criteria: Ambry Variant Classification Scheme 2023. Collection method: clinical testing. Allele origin: germline.

PreventionGenetics, part of Exact Sciences
Classification: Likely benign for ARID1B-related condition. Last evaluated: 2023-12-11. Review status: no assertion criteria provided. Collection method: clinical testing. Allele origin: germline. Not counted in ClinVar's aggregate classification.
Comment: This variant is classified as likely benign based on ACMG/AMP sequence variant interpretation guidelines (Richards et al. 2015 PMID: 25741868, with internal and published modifications).

NM_001374828.1(ARID1B):c.612_617dup (p.Gln214_His215insGlnGln)

Genes: ARID1B (AT-rich interaction domain 1B; plus strand), LOC115308161 (uncharacterized LOC115308161; minus strand). Cytogenetic location: 6q25.3.
Variant type: Duplication.
Coding change: c.612_617dup on transcript NM_001374828.1 (MANE Select); coding-DNA positions 612 to 617, 6 bases duplicated (ACAGCA; older notation c.612_617dupACAGCA).
Protein change: p.Gln214_His215insGlnGln.
Molecular consequence: inframe insertion. On other transcripts: inframe indel (1), non-coding transcript variant (1).
Genome position (GRCh38, 1-based): chr6:156,778,292-156,778,297, ACAGCA duplicated; duplicating any 6 consecutive bases within chr6:156,778,287-156,778,297 gives the same sequence; the c. name uses the placement nearest the transcript's 3' end. VCF-style (leftmost placement, unchanged base first): chr6-156778286-G-GCAGCAA. GRCh37 (hg19) VCF-style: chr6-157099420-G-GCAGCAA.
Other names: c.363_368dup6 (NM_020732.3); c.363_368dupACAGCA (NM_020732.3); c.612_617dup, p.Gln214_His215insGlnGln (NM_001371656.1, NM_001374820.1, NM_017519.3).
Identifiers: ClinVar variation 1733407 (VCV001733407.10), dbSNP rs750911844, ClinGen allele CA4066654.